The following is an entry in ClinVar:

ClinVar aggregate classification (germline): Pathogenic. Review status: criteria provided, single submitter (1 of 4 stars). 2 submissions from 2 submitters: Pathogenic (1). 1 of the submissions does not count toward it. Last evaluated 2024-12-12.

Conditions:
Neurodevelopmental disorder with infantile epileptic spasms. Identifiers: MedGen C5543538, MONDO:0859162, OMIM 619373.

Submissions (2):

Research Group Niklas Dahl, Uppsala University
Classification: Pathogenic for Neurodevelopmental disorder with infantile epileptic spasms. Last evaluated: 2024-12-12. Review status: criteria provided, single submitter. Criteria: ACMG Guidelines, 2015. Collection method: research. Allele origin: de novo. Affected: yes. Observed: 1 variant allele.
Comment: We report on NCDN missense variants in six affected individuals from four families with variable degrees of developmental delay, intellectual disability (ID) and seizures. ACMG: Pathogenic 11 PS2, PS3, PM2_Supporting, PP2, PP3_Supporting

OMIM
Classification: Pathogenic for NEURODEVELOPMENTAL DISORDER WITH INFANTILE EPILEPTIC SPASMS. Last evaluated: 2021-06-16. Review status: no assertion criteria provided. Collection method: literature only. Allele origin: germline. Not counted in ClinVar's aggregate classification.

Literature cited by the submitters: PubMed 33711248 (cited by Research Group Niklas Dahl, Uppsala University and OMIM).

NM_014284.3(NCDN):c.1955C>T (p.Pro652Leu)

Gene: NCDN (neurochondrin; plus strand). Cytogenetic location: 1p34.3.
Variant type: single nucleotide variant.
Coding change: c.1955C>T on transcript NM_014284.3 (MANE Select); coding-DNA position 1955, C replaced by T.
Protein change: p.Pro652Leu; replaces proline 652 with leucine.
Molecular consequence: missense variant.
Genome position (GRCh38, 1-based): chr1:35,565,428, C>T. VCF-style: chr1-35565428-C-T. GRCh37 (hg19) VCF-style: chr1-36031029-C-T.
Other names: c.1955C>T, p.Pro652Leu (NM_001014839.2); c.1904C>T, p.Pro635Leu (NM_001014841.2); short protein forms P635L, P652L.
Identifiers: ClinVar variation 984915 (VCV000984915.4), dbSNP rs762580458, ClinGen allele CA339349113.